The following is an entry in ClinVar:

ClinVar aggregate classification (germline): Uncertain significance (1 of 4 stars; one submission).

Submission:

Labcorp Genetics (formerly Invitae), Labcorp
Classification: Uncertain significance. Last evaluated: 2021-06-04. Review status: criteria provided, single submitter. Criteria: Invitae Variant Classification Sherloc (09022015). Collection method: clinical testing. Allele origin: germline.
Comment: This variant is not present in population databases (ExAC no frequency). This variant has not been reported in the literature in individuals with NBAS-related conditions. Algorithms developed to predict the effect of missense changes on protein structure and function output the following: SIFT: "Deleterious"; PolyPhen-2: "Benign"; Align-GVGD: "Class C25". The leucine amino acid residue is found in multiple mammalian species, suggesting that this missense change does not adversely affect protein function. These predictions have not been confirmed by published functional studies and their clinical significance is uncertain. In summary, the available evidence is currently insufficient to determine the role of this variant in disease. Therefore, it has been classified as a Variant of Uncertain Significance. This sequence change replaces valine with leucine at codon 2371 of the NBAS protein (p.Val2371Leu). The valine residue is highly conserved and there is a small physicochemical difference between valine and leucine.

NM_015909.4(NBAS):c.7111G>C (p.Val2371Leu)

Gene: NBAS (NBAS subunit of NRZ tethering complex; minus strand). Cytogenetic location: 2p24.3.
Variant type: single nucleotide variant.
Coding change: c.7111G>C on transcript NM_015909.4 (MANE Select); coding-DNA position 7111, G replaced by C.
Protein change: p.Val2371Leu; replaces valine 2371 with leucine.
Molecular consequence: missense variant. On other transcripts: non-coding transcript variant (1).
Genome position (GRCh38, 1-based): chr2:15,167,053, C>G on the plus strand (G>C on the coding strand, the complement: NBAS is on the minus strand). VCF-style: chr2-15167053-C-G. GRCh37 (hg19) VCF-style: chr2-15307177-C-G.
Other names: short protein forms V2371L.
Identifiers: ClinVar variation 1420483 (VCV001420483.8), dbSNP rs2125093800, ClinGen allele CA345910408.
Genomic context (GRCh38, chr2:15,167,053, plus strand): 5'-ACAGCATTCAACTCCAGATGCTTTTTCTGCTAAGGAGCAGGGCCACAGGTGGCCCTCACA[C>G]CCAGTGCTGTGCTGCGCGGAGGGCTGTACTGAAGGTTCTGAAGGCCTGGTGAGTCCCCCT-3'
Protein context (NP_056993.2, residues 2361-2371): STALRAAQHW[Val2371Leu]